The following is an entry in ClinVar:

ClinVar aggregate classification (germline): Uncertain significance. Review status: criteria provided, multiple submitters, no conflicts (2 of 4 stars). 3 submissions from 3 submitters: Uncertain significance (3). Last evaluated 2024-06-11.

Conditions:
Hereditary cancer-predisposing syndrome. Also called: Hereditary Cancer Syndrome; Tumor predisposition; Hereditary neoplastic syndrome; Neoplastic Syndromes, Hereditary. Identifiers: Orphanet 140162, MedGen C0027672, MeSH D009386, MONDO:0015356.
Hereditary breast ovarian cancer syndrome. Also called: Hereditary breast and ovarian cancer syndrome (HBOC); Breast and ovarian cancer; Hereditary breast and ovarian cancer syndrome; Hereditary breast and ovarian cancer; Hereditary breast and/or ovarian cancer syndrome; BRCA1- and BRCA2-Associated Hereditary Breast and Ovarian Cancer. Identifiers: Orphanet 145, MedGen C0677776, MeSH D061325, MONDO:0003582. Disease mechanism: loss of function.

Allele frequency attached by ClinVar (database versions not stated): gnomAD exomes below 0.00001.
gnomAD v4.1: 1 of 1,613,940 alleles (0.000062%); highest among the groups gnomAD compares: Non-Finnish European, 0.000085%; no homozygotes.

Submissions (3):

Ambry Genetics
Classification: Uncertain significance for Hereditary cancer-predisposing syndrome. Last evaluated: 2024-06-11. Review status: criteria provided, single submitter. Criteria: Ambry Variant Classification Scheme 2023. Collection method: clinical testing. Allele origin: germline.
Comment: The p.L2614P variant (also known as c.7841T>C), located in coding exon 16 of the BRCA2 gene, results from a T to C substitution at nucleotide position 7841. The leucine at codon 2614 is replaced by proline, an amino acid with similar properties. This amino acid position is well conserved in available vertebrate species. In addition, this alteration is predicted to be deleterious by in silico analysis. Based on the available evidence, the clinical significance of this variant remains unclear.

Labcorp Genetics (formerly Invitae), Labcorp
Classification: Uncertain significance for Hereditary breast ovarian cancer syndrome. Last evaluated: 2022-06-16. Review status: criteria provided, single submitter. Criteria: Invitae Variant Classification Sherloc (09022015). Collection method: clinical testing. Allele origin: germline.
Comment: In summary, the available evidence is currently insufficient to determine the role of this variant in disease. Therefore, it has been classified as a Variant of Uncertain Significance. This variant has not been reported in the literature in individuals affected with BRCA2-related conditions. ClinVar contains an entry for this variant (Variation ID: 1042548). Advanced modeling of protein sequence and biophysical properties (such as structural, functional, and spatial information, amino acid conservation, physicochemical variation, residue mobility, and thermodynamic stability) performed at Invitae indicates that this missense variant is not expected to disrupt BRCA2 protein function. This sequence change replaces leucine, which is neutral and non-polar, with proline, which is neutral and non-polar, at codon 2614 of the BRCA2 protein (p.Leu2614Pro). This variant is not present in population databases (gnomAD no frequency).

GeneDx
Classification: Uncertain significance. Last evaluated: 2019-10-01. Review status: criteria provided, single submitter. Criteria: GeneDx Variant Classification Process June 2021. Collection method: clinical testing. Allele origin: germline. Affected: yes.
Comment: Also known as BRCA2 c.8169T>C; Has not been previously published as pathogenic or benign to our knowledge; Not observed in large population cohorts (Lek 2016); In silico analysis, which includes protein predictors and evolutionary conservation, supports that this variant does not alter protein structure/function

NM_000059.4(BRCA2):c.7841T>C (p.Leu2614Pro)

Gene: BRCA2 (BRCA2 DNA repair associated; plus strand). Cytogenetic location: 13q13.1.
Variant type: single nucleotide variant.
Coding change: c.7841T>C on transcript NM_000059.4 (MANE Select); coding-DNA position 7841, T replaced by C.
Protein change: p.Leu2614Pro; replaces leucine 2614 with proline.
Molecular consequence: missense variant.
Genome position (GRCh38, 1-based): chr13:32,362,558, T>C. VCF-style: chr13-32362558-T-C. GRCh37 (hg19) VCF-style: chr13-32936695-T-C.
Other names: short protein forms L2614P.
Identifiers: ClinVar variation 1042548 (VCV001042548.15), dbSNP rs2072745176, ClinGen allele CA387747028.
Genomic context (GRCh38, chr13:32,362,558, plus strand): 5'-TAATATTCTACTTTTATTTGTTCAGGGCTCTGTGTGACACTCCAGGTGTGGATCCAAAGC[T>C]TATTTCTAGAATTTGGGTTTATAATCACTATAGATGGATCATATGGAAACTGGCAGCTAT-3'
Protein context (NP_000050.3, residues 2604-2624): LCDTPGVDPK[Leu2614Pro]ISRIWVYNHY